The following is an entry in ClinVar:

NM_000263.4(NAGLU):c.329dup (p.Pro111fs)

Gene: NAGLU (N-acetyl-alpha-glucosaminidase; plus strand). Cytogenetic location: 17q21.2.
Variant type: Duplication.
Coding change: c.329dup on transcript NM_000263.4 (MANE Select); coding-DNA position 329, one base duplicated (T; older notation c.329dupT).
Protein change: p.Pro111fs; shifts the reading frame from proline 111.
Molecular consequence: frameshift variant.
Genome position (GRCh38, 1-based): chr17:42,536,601, T duplicated. VCF-style (leftmost placement, unchanged base first): chr17-42536600-C-CT. GRCh37 (hg19) VCF-style: chr17-40688618-C-CT.
Other names: short protein forms P111fs.
Identifiers: ClinVar variation 2011393 (VCV002011393.4), dbSNP rs2510650554, ClinGen allele CA2580093764.

ClinVar aggregate classification (germline): Pathogenic (1 of 4 stars; one submission).

Conditions:
Mucopolysaccharidosis, MPS-III-B (MPS3B). Also called: N-ACETYL-ALPHA-D-GLUCOSAMINIDASE DEFICIENCY; NAGLU DEFICIENCY; SANFILIPPO SYNDROME B; MPS III B; Mucopolysaccharidosis type IIIB (Sanfilippo B); MPS IIIB (Sanfilippo Syndrome Type B). Identifiers: Orphanet 79270, MedGen C0086648, MONDO:0009656, OMIM 252920.
Charcot-Marie-Tooth disease axonal type 2V. Also called: CHARCOT-MARIE-TOOTH NEUROPATHY, TYPE 2V; CHARCOT-MARIE-TOOTH DISEASE, AXONAL, AUTOSOMAL DOMINANT, TYPE 2V. Identifiers: Orphanet 447964, MedGen C5569050, MONDO:0014665, OMIM 616491.

Submission:

Labcorp Genetics (formerly Invitae), Labcorp
Classification: Pathogenic for Charcot-Marie-Tooth disease axonal type 2V; Mucopolysaccharidosis, MPS-III-B. Last evaluated: 2022-06-27. Review status: criteria provided, single submitter. Criteria: Invitae Variant Classification Sherloc (09022015). Collection method: clinical testing. Allele origin: germline.
Comment: For these reasons, this variant has been classified as Pathogenic. This variant has not been reported in the literature in individuals affected with NAGLU-related conditions. This variant is not present in population databases (gnomAD no frequency). This sequence change creates a premature translational stop signal (p.Pro111Alafs*81) in the NAGLU gene. It is expected to result in an absent or disrupted protein product. Loss-of-function variants in NAGLU are known to be pathogenic (PMID: 9832037, 10094189, 16151907).

Literature cited by the submitters: PubMed 9832037; PubMed 10094189; PubMed 16151907.